The following is an entry in ClinVar:

ClinVar aggregate classification (germline): Uncertain significance (1 of 4 stars; one submission).

Conditions:
Intellectual developmental disorder, autosomal dominant 45. Also called: MENTAL RETARDATION, AUTOSOMAL DOMINANT 45; Intellectual disability, autosomal dominant 45. Identifiers: MedGen C4539848, MONDO:0030910, OMIM 617600.

Submission:

Victorian Clinical Genetics Services, Murdoch Childrens Research Institute
Classification: Uncertain significance for Intellectual developmental disorder, autosomal dominant 45. Last evaluated: 2022-02-02. Review status: criteria provided, single submitter. Criteria: ACMG Guidelines, 2015. Collection method: clinical testing. Allele origin: germline. Inheritance: Autosomal dominant inheritance.
Comment: Based on the classification scheme VCGS_Germline_v1.3.4, this variant is classified as VUS-3C. Following criteria are met: 0102 - Loss of function is a known mechanism of disease in this gene and is associated with CIC-related intellectual disability (MIM#617600). (I) 0107 - This gene is associated with autosomal dominant disease. (I) 0200 - Variant is predicted to result in a missense amino acid change from proline to serine. (I) 0219 - This variant is non-coding in an alternative transcript. This variant is non-coding in the transcript that used to be predominant in ClinVar (NM_015125.4) and several other short transcripts, but is coding in the transcript that is currently predominant in ClinVar (NM_001386298.1) and the longest transcript (NM_001304815.1). (I) 0251 - This variant is heterozygous. (I) 0301 - Variant is absent from gnomAD (both v2 and v3). (SP) 0504 - Same amino acid change has been observed in placental mammals. (SB) 0603 - Missense variant in a region that is highly intolerant to missense variation (high constraint region in DECIPHER). (SP) 0705 - No comparable missense variants have previous evidence for pathogenicity. (I) 0807 - This variant has no previous evidence of pathogenicity. (I) 0905 - No published segregation evidence has been identified for this variant. (I) 1007 - No published functional evidence has been identified for this variant. (I) 1208 - Inheritance information for this variant is not currently available in this individual. (I) Legend: (SP) - Supporting pathogenic, (I) - Information, (SB) - Supporting benign

NM_001386298.1(CIC):c.1216C>T (p.Pro406Ser)

Gene: CIC (capicua transcriptional repressor; plus strand). Cytogenetic location: 19q13.2.
Variant type: single nucleotide variant.
Coding change: c.1216C>T on transcript NM_001386298.1 (MANE Select); coding-DNA position 1216, C replaced by T.
Protein change: p.Pro406Ser; replaces proline 406 with serine.
Molecular consequence: missense variant.
Genome position (GRCh38, 1-based): chr19:42,272,999, C>T. VCF-style: chr19-42272999-C-T. GRCh37 (hg19) VCF-style: chr19-42777151-C-T.
Other names: c.1216C>T, p.Pro406Ser (NM_001304815.2, NM_001379480.1, NM_001379482.1 and 1 more transcripts); short protein forms P406S.
Identifiers: ClinVar variation 1805659 (VCV001805659.1), dbSNP rs1599849219, ClinGen allele CA406084132.
Genomic context (GRCh38, chr19:42,272,999, plus strand): 5'-AAGATCAGCTTTGGTGGCAACCTGGGTACTCACTGTGAGGAGGGCGAGGAGAAGCACCCT[C>T]CAGCCCTGGGTACCCCAGCCCTGCTCCCACTGCCCCCACCCCAGCTCCTGTCACCACCAC-3'
Protein context (NP_001373227.1, residues 396-416): HCEEGEEKHP[Pro406Ser]ALGTPALLPL